The following is an entry in ClinVar:

NM_005033.3(EXOSC9):c.538C>T (p.Arg180Cys)

Gene: EXOSC9 (exosome component 9; plus strand). Cytogenetic location: 4q27.
Variant type: single nucleotide variant.
Coding change: c.538C>T on transcript NM_005033.3 (MANE Select); coding-DNA position 538, C replaced by T.
Protein change: p.Arg180Cys; replaces arginine 180 with cysteine.
Molecular consequence: missense variant.
Genome position (GRCh38, 1-based): chr4:121,807,555, C>T. VCF-style: chr4-121807555-C-T. GRCh37 (hg19) VCF-style: chr4-122728710-C-T.
Other names: c.538C>T, p.Arg180Cys (NM_001034194.2); short protein forms R180C.
Identifiers: ClinVar variation 1309898 (VCV001309898.6), dbSNP rs202225797, ClinGen allele CA3063445.

ClinVar aggregate classification (germline): Uncertain significance. Review status: criteria provided, multiple submitters, no conflicts (2 of 4 stars). 4 submissions from 4 submitters: Uncertain significance (4). Last evaluated 2025-09-10.

Conditions:
Inborn genetic diseases. Identifiers: MedGen C0950123, MeSH D030342.
Pontocerebellar hypoplasia, type 1D. Identifiers: MedGen C4748058, MONDO:0054844, OMIM 618065.

Allele frequency attached by ClinVar (database versions not stated): gnomAD 0.00006 and 0.00007; 1000 Genomes Project 0.00020; TOPMed 0.00009; 1000 Genomes Project 30x 0.00016; gnomAD exomes 0.00004.
gnomAD v4.1: 70 of 1,609,324 alleles (0.0043%); highest among the groups gnomAD compares: South Asian, 0.019%; no homozygotes.

Submissions (4):

Genomic Medicine Center of Excellence, King Faisal Specialist Hospital and Research Centre
Classification: Uncertain significance for Pontocerebellar hypoplasia, type 1D. Last evaluated: 2025-09-10. Review status: criteria provided, single submitter. Criteria: ACMG Guidelines, 2015. Collection method: clinical testing. Allele origin: germline.

Ambry Genetics
Classification: Uncertain significance for Inborn genetic diseases. Last evaluated: 2024-11-20. Review status: criteria provided, single submitter. Criteria: Ambry Variant Classification Scheme 2023. Collection method: clinical testing. Allele origin: germline.

Labcorp Genetics (formerly Invitae), Labcorp
Classification: Uncertain significance. Last evaluated: 2021-09-05. Review status: criteria provided, single submitter. Criteria: Invitae Variant Classification Sherloc (09022015). Collection method: clinical testing. Allele origin: germline.
Comment: This sequence change replaces arginine with cysteine at codon 180 of the EXOSC9 protein (p.Arg180Cys). The arginine residue is highly conserved and there is a large physicochemical difference between arginine and cysteine. This variant is present in population databases (rs202225797, ExAC 0.02%). This variant has not been reported in the literature in individuals affected with EXOSC9-related conditions. Algorithms developed to predict the effect of missense changes on protein structure and function (SIFT, PolyPhen-2, Align-GVGD) all suggest that this variant is likely to be disruptive. In summary, the available evidence is currently insufficient to determine the role of this variant in disease. Therefore, it has been classified as a Variant of Uncertain Significance.

GeneDx
Classification: Uncertain significance. Last evaluated: 2021-02-05. Review status: criteria provided, single submitter. Criteria: GeneDx Variant Classification Process June 2021. Collection method: clinical testing. Allele origin: germline. Affected: yes.
Comment: Has not been previously published as pathogenic or benign to our knowledge; In silico analysis, which includes protein predictors and evolutionary conservation, supports a deleterious effect